The following is an entry in ClinVar:

NM_014679.5(CEP57):c.621+8C>T

Gene: CEP57 (centrosomal protein 57; plus strand). Cytogenetic location: 11q21.
Variant type: single nucleotide variant.
Coding change: c.621+8C>T on transcript NM_014679.5 (MANE Select); 8 bases into the intron after coding-DNA position 621, C replaced by T.
Molecular consequence: intron variant.
Genome position (GRCh38, 1-based): chr11:95,817,911, C>T. VCF-style: chr11-95817911-C-T. GRCh37 (hg19) VCF-style: chr11-95551075-C-T.
Other names: c.540+8C>T (NM_001363604.2); c.594+8C>T (NM_001243776.2); c.621+8C>T (NM_001243777.2).
Identifiers: ClinVar variation 2148741 (VCV002148741.4), dbSNP rs1413547565, ClinGen allele CA600870747.

ClinVar aggregate classification (germline): Uncertain significance (1 of 4 stars; one submission).

Conditions:
Mosaic variegated aneuploidy syndrome 2 (MVA2). Identifiers: Orphanet 1052, MedGen C3279843, MONDO:0013582, OMIM 614114.

Allele frequency attached by ClinVar (database versions not stated): gnomAD exomes 0.00001; gnomAD 0.00003; TOPMed 0.00003.
gnomAD v4.1: 12 of 1,529,740 alleles (0.00078%); highest among the groups gnomAD compares: African/African-American, 0.0096%; no homozygotes.

Submission:

Labcorp Genetics (formerly Invitae), Labcorp
Classification: Uncertain significance for Mosaic variegated aneuploidy syndrome 2. Last evaluated: 2022-01-06. Review status: criteria provided, single submitter. Criteria: Invitae Variant Classification Sherloc (09022015). Collection method: clinical testing. Allele origin: germline.
Comment: This variant has not been reported in the literature in individuals affected with CEP57-related conditions. In summary, the available evidence is currently insufficient to determine the role of this variant in disease. Therefore, it has been classified as a Variant of Uncertain Significance. Algorithms developed to predict the effect of sequence changes on RNA splicing suggest that this variant may create or strengthen a splice site. This variant is present in population databases (no rsID available, gnomAD 0.01%). This sequence change falls in intron 5 of the CEP57 gene. It does not directly change the encoded amino acid sequence of the CEP57 protein.